The following is an entry in ClinVar:

NM_001110219.3(GJB6):c.619G>A (p.Val207Met)

Gene: GJB6 (gap junction protein beta 6; minus strand). Cytogenetic location: 13q12.11.
Variant type: single nucleotide variant.
Coding change: c.619G>A on transcript NM_001110219.3 (MANE Select); coding-DNA position 619, G replaced by A.
Protein change: p.Val207Met; replaces valine 207 with methionine.
Molecular consequence: missense variant.
Genome position (GRCh38, 1-based): chr13:20,222,862, C>T on the plus strand (G>A on the coding strand, the complement: GJB6 is on the minus strand). VCF-style: chr13-20222862-C-T. GRCh37 (hg19) VCF-style: chr13-20797001-C-T.
Other names: c.619G>A, p.Val207Met (NM_001110220.3, NM_001110221.3, NM_001370090.1 and 3 more transcripts); short protein forms V207M.
Identifiers: ClinVar variation 45507 (VCV000045507.15), dbSNP rs146231737, ClinGen allele CA136468.

ClinVar aggregate classification (germline): Uncertain significance. Review status: criteria provided, multiple submitters, no conflicts (2 of 4 stars). 5 submissions from 5 submitters: Uncertain significance (5). Last evaluated 2025-07-28.

Conditions:
Autosomal dominant nonsyndromic hearing loss 3B. Identifiers: Orphanet 90635, MedGen C2675237, MONDO:0012975, OMIM 612643.
Autosomal recessive nonsyndromic hearing loss 1A (DFNB1A). Also called: GJB6-Related DFNB 1 Nonsyndromic Hearing Loss and Deafness; Deafness, autosomal recessive 1A; Nonsyndromic Hearing Loss and Deafness, DFNB1; GJB2-Related Autosomal Recessive Nonsyndromic Hearing Loss; Connexin 26 deafness; Deafness nonsyndromic, Connexin 26 linked. Identifiers: Orphanet 90636, MedGen C2673759, MONDO:0009076, OMIM 220290.
Hidrotic ectodermal dysplasia syndrome (GJB6). Also called: Ectodermal dysplasia 2, hidrotic; Autosomal dominant hidrotic ectodermal dysplasia; Clouston syndrome; Clouston's hidrotic ectodermal dysplasia; Hidrotic ectodermal dysplasia; CLOUSTON HIDROTIC ECTODERMAL DYSPLASIA. Identifiers: Orphanet 189, MedGen C0162361, MONDO:0007510, OMIM 129500.
Autosomal recessive nonsyndromic hearing loss 1B. Also called: DEAFNESS, AUTOSOMAL RECESSIVE 1B. Identifiers: Orphanet 90636, MedGen C2675235, MONDO:0012977, OMIM 612645.

Allele frequency attached by ClinVar (database versions not stated): gnomAD 0.00002; gnomAD exomes 0.00002; TOPMed 0.00004; ExAC 0.00006; ESP Exome Variant Server 0.00008.
gnomAD v4.1: 19 of 1,614,000 alleles (0.0012%); highest among the groups gnomAD compares: African/African-American, 0.004%; no homozygotes.

Submissions (5):

GeneDx
Classification: Uncertain significance. Last evaluated: 2025-07-28. Review status: criteria provided, single submitter. Criteria: GeneDx Variant Classification Process June 2021. Collection method: clinical testing. Allele origin: germline. Affected: yes.
Comment: In silico analysis suggests that this missense variant does not alter protein structure/function; Has not been previously published as pathogenic or benign to our knowledge

Labcorp Genetics (formerly Invitae), Labcorp
Classification: Uncertain significance for Autosomal dominant nonsyndromic hearing loss 3B; Hidrotic ectodermal dysplasia syndrome; Autosomal recessive nonsyndromic hearing loss 1B; Autosomal recessive nonsyndromic hearing loss 1A. Last evaluated: 2022-01-16. Review status: criteria provided, single submitter. Criteria: Invitae Variant Classification Sherloc (09022015). Collection method: clinical testing. Allele origin: germline.
Comment: Algorithms developed to predict the effect of missense changes on protein structure and function are either unavailable or do not agree on the potential impact of this missense change (SIFT: "Deleterious"; PolyPhen-2: "Benign"; Align-GVGD: "Class C0"). ClinVar contains an entry for this variant (Variation ID: 45507). This variant has not been reported in the literature in individuals affected with GJB6-related conditions. This variant is present in population databases (rs146231737, gnomAD 0.009%). This sequence change replaces valine, which is neutral and non-polar, with methionine, which is neutral and non-polar, at codon 207 of the GJB6 protein (p.Val207Met). In summary, the available evidence is currently insufficient to determine the role of this variant in disease. Therefore, it has been classified as a Variant of Uncertain Significance.

Blueprint Genetics
Classification: Uncertain significance. Last evaluated: 2019-12-31. Review status: criteria provided, single submitter. Criteria: ACMG Guidelines, 2015. Collection method: clinical testing. Allele origin: germline.

Illumina Laboratory Services, Illumina
Classification: Uncertain significance for Hidrotic ectodermal dysplasia syndrome. Last evaluated: 2018-01-13. Review status: criteria provided, single submitter. Criteria: ICSL Variant Classification Criteria 13 December 2019. Collection method: clinical testing. Allele origin: germline.

Laboratory for Molecular Medicine, Mass General Brigham Personalized Medicine
Classification: Uncertain significance. Last evaluated: 2010-12-22. Review status: criteria provided, single submitter. Criteria: LMM Criteria. Collection method: clinical testing. Allele origin: germline. Observed: 1 variant allele.
Comment: Variant classified as Uncertain Significance - Favor Benign. The Val207Met varia nt in GJB6 has not been reported in the literature nor previously identified by our laboratory. Computational analyses (biochemical amino acid properties, homol ogy, PolyPhen2, SIFT, AlignGVGD) do not provide strong support for or against pa thogenicity. It should be noted that this lab has only sequenced the GJB6 gene i n 32 Hispanic individuals such that the full spectrum of benign variation has no t yet been defined for this population, increasing the possibility that this may be a benign variant. It should also be noted that there is limited data to supp ort a role for point mutations in GJB6 being responsible for nonsyndromic recess ive hearing loss.